The following is an entry in ClinVar:

NM_000264.5(PTCH1):c.3908G>A (p.Arg1303His)

Gene: PTCH1 (patched 1; minus strand). Cytogenetic location: 9q22.32.
Variant type: single nucleotide variant.
Coding change: c.3908G>A on transcript NM_000264.5 (MANE Select); coding-DNA position 3908, G replaced by A.
Protein change: p.Arg1303His; replaces arginine 1303 with histidine.
Molecular consequence: missense variant. On other transcripts: non-coding transcript variant (1).
Genome position (GRCh38, 1-based): chr9:95,447,348, C>T on the plus strand (G>A on the coding strand, the complement: PTCH1 is on the minus strand). VCF-style: chr9-95447348-C-T. GRCh37 (hg19) VCF-style: chr9-98209630-C-T.
Other names: c.3710G>A, p.Arg1237His (NM_001083602.3); c.3905G>A, p.Arg1302His (NM_001083603.3); c.3455G>A, p.Arg1152His (NM_001083604.3, NM_001083605.3, NM_001083606.3 and 1 more transcripts); c.3752G>A, p.Arg1251His (NM_001354918.2); short protein forms R1237H, R1303H, R1152H, R1302H, R1251H.
Identifiers: ClinVar variation 237489 (VCV000237489.25), dbSNP rs779365332, ClinGen allele CA5138010.

ClinVar aggregate classification (germline): Conflicting classifications of pathogenicity. Review status: criteria provided, conflicting classifications (1 of 4 stars). 9 submissions from 8 submitters: Uncertain significance (1); Benign (2); Likely benign (5). 1 of the submissions does not count toward it. Last evaluated 2026-02-03.

Conditions:
Hereditary cancer-predisposing syndrome. Also called: Tumor predisposition; Hereditary Cancer Syndrome; Hereditary neoplastic syndrome; Neoplastic Syndromes, Hereditary. Identifiers: Orphanet 140162, MedGen C0027672, MeSH D009386, MONDO:0015356.
PTCH1-related disorder. Also called: PTCH1-related disorders; PTCH1-related condition.
Holoprosencephaly 7 (HPE7). Identifiers: Orphanet 2162, MedGen C1835820, MONDO:0012562, OMIM 610828.
Gorlin syndrome. Also called: Nevoid Basal Cell Carcinoma Syndrome; Basal cell nevus syndrome. Identifiers: Orphanet 377, MedGen C0004779, MONDO:0007187.

Allele frequency attached by ClinVar (database versions not stated): gnomAD 0.00010; TOPMed 0.00010.
gnomAD v4.1: 98 of 1,613,462 alleles (0.0061%); highest among the groups gnomAD compares: Admixed American, 0.092%; no homozygotes.

Submissions (9):

Labcorp Genetics (formerly Invitae), Labcorp
Classification: Benign for Gorlin syndrome. Last evaluated: 2026-02-03. Review status: criteria provided, single submitter. Criteria: Invitae Variant Classification Sherloc (09022015). Collection method: clinical testing. Allele origin: germline.

Center for Genomic Medicine, Rigshospitalet, Copenhagen University Hospital
Classification: Uncertain significance. Last evaluated: 2025-12-29. Review status: criteria provided, single submitter. Criteria: ACMG Guidelines, 2015. Collection method: clinical testing. Allele origin: germline.

ARUP Laboratories, Molecular Genetics and Genomics, ARUP Laboratories
Classification: Likely benign. Last evaluated: 2024-04-25. Review status: criteria provided, single submitter. Criteria: ARUP Molecular Germline Variant Investigation Process 2024. Collection method: clinical testing. Allele origin: germline.

Sema4
Classification: Likely benign for Hereditary cancer-predisposing syndrome. Last evaluated: 2021-12-13. Review status: criteria provided, single submitter. Criteria: Sema4 Curation Guidelines. Collection method: curation. Allele origin: germline.

Ambry Genetics
Classification: Likely benign for Hereditary cancer-predisposing syndrome. Last evaluated: 2020-12-15. Review status: criteria provided, single submitter. Criteria: Ambry Variant Classification Scheme 2023. Collection method: clinical testing. Allele origin: germline.

GeneDx
Classification: Likely benign. Last evaluated: 2019-04-30. Review status: criteria provided, single submitter. Criteria: GeneDx Variant Classification Process June 2021. Collection method: clinical testing. Allele origin: germline. Affected: yes.

Illumina Laboratory Services, Illumina
Classification: Benign for Basal cell nevus syndrome 1. Last evaluated: 2018-01-13. Review status: criteria provided, single submitter. Criteria: ICSL Variant Classification Criteria 13 December 2019. Collection method: clinical testing. Allele origin: germline.
Comment: This variant was observed in the ICSL laboratory as part of a predisposition screen in an ostensibly healthy population. It had not been previously curated by ICSL or reported in the Human Gene Mutation Database (HGMD: prior to June 1st, 2018), and was therefore a candidate for classification through an automated scoring system. Utilizing variant allele frequency, disease prevalence and penetrance estimates, and inheritance mode, an automated score was calculated to assess if this variant is too frequent to cause the disease. Based on the score and internal cut-off values, a variant classified as benign is not then subjected to further curation. The score for this variant resulted in a classification of benign for this disease.

Illumina Laboratory Services, Illumina
Classification: Likely benign for Holoprosencephaly 7. Last evaluated: 2018-01-13. Review status: criteria provided, single submitter. Criteria: ICSL Variant Classification Criteria 13 December 2019. Collection method: clinical testing. Allele origin: germline.
Comment: This variant was observed in the ICSL laboratory as part of a predisposition screen in an ostensibly healthy population. It had not been previously curated by ICSL or reported in the Human Gene Mutation Database (HGMD: prior to June 1st, 2018), and was therefore a candidate for classification through an automated scoring system. Utilizing variant allele frequency, disease prevalence and penetrance estimates, and inheritance mode, an automated score was calculated to assess if this variant is too frequent to cause the disease. Based on the score and internal cut-off values, a variant classified as likely benign is not then subjected to further curation. The score for this variant resulted in a classification of likely benign for this disease.

PreventionGenetics, part of Exact Sciences
Classification: Likely benign for PTCH1-related condition. Last evaluated: 2023-01-06. Review status: no assertion criteria provided. Collection method: clinical testing. Allele origin: germline. Not counted in ClinVar's aggregate classification.
Comment: This variant is classified as likely benign based on ACMG/AMP sequence variant interpretation guidelines (Richards et al. 2015 PMID: 25741868, with internal and published modifications).